The following is an entry in ClinVar:

NM_152564.5(VPS13B):c.6749A>C (p.Gln2250Pro)

Gene: VPS13B (vacuolar protein sorting 13 homolog B; plus strand). Cytogenetic location: 8q22.2.
Variant type: single nucleotide variant.
Coding change: c.6749A>C on transcript NM_152564.5 (MANE Select); coding-DNA position 6749, A replaced by C.
Protein change: p.Gln2250Pro; replaces glutamine 2250 with proline.
Molecular consequence: missense variant.
Genome position (GRCh38, 1-based): chr8:99,720,436, A>C. VCF-style: chr8-99720436-A-C. GRCh37 (hg19) VCF-style: chr8-100732664-A-C.
Other names: c.6824A>C, p.Gln2275Pro (NM_017890.5); short protein forms Q2250P, Q2275P.
Identifiers: ClinVar variation 1348423 (VCV001348423.5), dbSNP rs1180682567, ClinGen allele CA371867722.

ClinVar aggregate classification (germline): Uncertain significance (1 of 4 stars; one submission).

Conditions:
Cohen syndrome (COH1). Also called: Cutis verticis gyrata, retinitis pigmentosa, and sensorineural deafness; PEPPER SYNDROME. Identifiers: Orphanet 193, MedGen C0265223, MONDO:0008999, OMIM 216550.

Allele frequency attached by ClinVar (database versions not stated): gnomAD exomes below 0.00001 and 0.00001.
gnomAD v4.1: 9 of 1,614,022 alleles (0.00056%); highest among the groups gnomAD compares: Non-Finnish European, 0.00076%; no homozygotes.

Submission:

Labcorp Genetics (formerly Invitae), Labcorp
Classification: Uncertain significance for Cohen syndrome. Last evaluated: 2022-05-12. Review status: criteria provided, single submitter. Criteria: Invitae Variant Classification Sherloc (09022015). Collection method: clinical testing. Allele origin: germline.
Comment: This sequence change replaces glutamine, which is neutral and polar, with proline, which is neutral and non-polar, at codon 2275 of the VPS13B protein (p.Gln2275Pro). This variant is present in population databases (no rsID available, gnomAD 0.0009%). This variant has not been reported in the literature in individuals affected with VPS13B-related conditions. Algorithms developed to predict the effect of missense changes on protein structure and function output the following: SIFT: "Not Available"; PolyPhen-2: "Benign"; Align-GVGD: "Not Available". The proline amino acid residue is found in multiple mammalian species, which suggests that this missense change does not adversely affect protein function. In summary, the available evidence is currently insufficient to determine the role of this variant in disease. Therefore, it has been classified as a Variant of Uncertain Significance.